The following is an entry in ClinVar:

ClinVar aggregate classification (germline): Uncertain significance (1 of 4 stars; one submission).

Conditions:
Myasthenic syndrome, congenital, 22 (CMS22). Also called: PREPL DEFICIENCY. Identifiers: MedGen C4479088, MONDO:0044299, OMIM 616224.

Allele frequency attached by ClinVar (database versions not stated): TOPMed below 0.00001; gnomAD 0.00001; gnomAD exomes 0.00001.

Submission:

Labcorp Genetics (formerly Invitae), Labcorp
Classification: Uncertain significance for Myasthenic syndrome, congenital, 22. Last evaluated: 2022-04-29. Review status: criteria provided, single submitter. Criteria: Invitae Variant Classification Sherloc (09022015). Collection method: clinical testing. Allele origin: germline.
Comment: This variant has not been reported in the literature in individuals affected with PREPL-related conditions. Variants that disrupt the consensus splice site are a relatively common cause of aberrant splicing (PMID: 17576681, 9536098). Algorithms developed to predict the effect of sequence changes on RNA splicing suggest that this variant is not likely to affect RNA splicing. In summary, the available evidence is currently insufficient to determine the role of this variant in disease. Therefore, it has been classified as a Variant of Uncertain Significance. This sequence change falls in intron 5 of the PREPL gene. It does not directly change the encoded amino acid sequence of the PREPL protein. It affects a nucleotide within the consensus splice site. This variant is present in population databases (no rsID available, gnomAD 0.0009%).

Literature cited by the submitters: PubMed 17576681; PubMed 9536098.

NM_001171613.2(PREPL):c.485+4del

Gene: PREPL (prolyl endopeptidase like; minus strand). Cytogenetic location: 2p21.
Variant type: Deletion.
Coding change: c.485+4del on transcript NM_001171613.2 (MANE Select); 4 bases into the intron after coding-DNA position 485, one base deleted (C; older notation c.485+4delC).
Molecular consequence: intron variant.
Genome position (GRCh38, 1-based): chr2:44,342,413, G deleted on the plus strand (C on the coding strand, the reverse complement: PREPL is on the minus strand). VCF-style (leftmost placement, unchanged base first): chr2-44342412-AG-A. GRCh37 (hg19) VCF-style: chr2-44569551-AG-A.
Other names: c.485+4del (NM_001171617.1, NM_001374277.1); c.752+4del (NM_001171603.1, NM_001374275.1, NM_001374276.1 and 4 more transcripts).
Identifiers: ClinVar variation 2160537 (VCV002160537.4), dbSNP rs1423495727, ClinGen allele CA532299139.